The following is an entry in ClinVar:

ClinVar aggregate classification (germline): Uncertain significance (1 of 4 stars; one submission).

Conditions:
Cardiomyopathy (CMYO). Also called: Cardiomyopathies. Identifiers: Orphanet 167848, MedGen C0878544, MONDO:0004994, HP:0001638. Inheritance: Various modes of inheritance.

Allele frequency attached by ClinVar (database versions not stated): TOPMed below 0.00001.

Submission:

All of Us Research Program, National Institutes of Health
Classification: Uncertain significance for Cardiomyopathy. Last evaluated: 2023-06-28. Review status: criteria provided, single submitter. Criteria: ACMG Guidelines, 2015. Collection method: clinical testing. Allele origin: germline. Inheritance: Autosomal dominant inheritance. Observed: 1 variant allele, 1 heterozygote.
Comment: This study involves interpretation of variants in research participants for the purpose of population health screening. Participant phenotype was not available at the time of variant classification. Additional details can be found in publication PMID: 35346344, PMCID: PMC8962531

NM_000257.4(MYH7):c.4111T>A (p.Trp1371Arg)

Gene: MYH7 (myosin heavy chain 7; minus strand). Cytogenetic location: 14q11.2.
Variant type: single nucleotide variant.
Coding change: c.4111T>A on transcript NM_000257.4 (MANE Select); coding-DNA position 4111, T replaced by A.
Protein change: p.Trp1371Arg; replaces tryptophan 1371 with arginine.
Molecular consequence: missense variant.
Genome position (GRCh38, 1-based): chr14:23,418,268, A>T on the plus strand (T>A on the coding strand, the complement: MYH7 is on the minus strand). VCF-style: chr14-23418268-A-T. GRCh37 (hg19) VCF-style: chr14-23887477-A-T.
Other names: c.4111T>A, p.Trp1371Arg (NM_001407004.1); short protein forms W1371R.
Identifiers: ClinVar variation 3071736 (VCV003071736.1), dbSNP rs1892310534, ClinGen allele CA389040901.